The following is an entry in ClinVar:

ClinVar aggregate classification (germline): Uncertain significance. Review status: criteria provided, multiple submitters, no conflicts (2 of 4 stars). 5 submissions from 5 submitters: Uncertain significance (5). Last evaluated 2025-10-29.

Conditions:
Hereditary cancer-predisposing syndrome. Also called: Neoplastic Syndromes, Hereditary; Tumor predisposition; Hereditary Cancer Syndrome; Hereditary neoplastic syndrome. Identifiers: Orphanet 140162, MedGen C0027672, MeSH D009386, MONDO:0015356.
Familial cancer of breast. Also called: BREAST CANCER, FAMILIAL; Hereditary breast cancer; hereditary breast carcinoma. Identifiers: Orphanet 227535, MedGen C0346153, MONDO:0016419, OMIM 114480. Disease mechanism: loss of function.

Allele frequency attached by ClinVar (database versions not stated): TOPMed below 0.00001; gnomAD 0.00001.
gnomAD v4.1: 2 of 1,612,630 alleles (0.00012%); highest among the groups gnomAD compares: Non-Finnish European, 0.00017%; no homozygotes.

Submissions (5):

Labcorp Genetics (formerly Invitae), Labcorp
Classification: Uncertain significance for Familial cancer of breast. Last evaluated: 2025-10-29. Review status: criteria provided, single submitter. Criteria: Invitae Variant Classification Sherloc (09022015). Collection method: clinical testing. Allele origin: germline.
Comment: This sequence change replaces lysine, which is basic and polar, with arginine, which is basic and polar, at codon 235 of the CHEK2 protein (p.Lys235Arg). This variant is present in population databases (rs587782419, gnomAD 0.007%). This variant has not been reported in the literature in individuals affected with CHEK2-related conditions. ClinVar contains an entry for this variant (Variation ID: 142380). An algorithm developed to predict the effect of missense changes on protein structure and function (PolyPhen-2) suggests that this variant is likely to be tolerated. Experimental studies are conflicting or provide insufficient evidence to determine the effect of this variant on CHEK2 function (PMID: 31209362). In summary, the available evidence is currently insufficient to determine the role of this variant in disease. Therefore, it has been classified as a Variant of Uncertain Significance.

Ambry Genetics
Classification: Uncertain significance for Hereditary cancer-predisposing syndrome. Last evaluated: 2025-06-01. Review status: criteria provided, single submitter. Criteria: Ambry Variant Classification Scheme 2023. Collection method: clinical testing. Allele origin: germline.
Comment: The p.K235R variant (also known as c.704A>G), located in coding exon 5 of the CHEK2 gene, results from an A to G substitution at nucleotide position 704. The lysine at codon 235 is replaced by arginine, an amino acid with highly similar properties. Functional assays demonstrate that this alteration is invovled in acetylation of CHK2; p.K235R decreased acetylation of CHK2 and active phospho-CHK2 compared to wildtype, did not elicit the phosporylation of p53, and increased cell survival in response to oxidative distress (Kwon J et al. Exp. Mol. Med., 2019 03;51:1-9; Zhang W et al. Cell Death Differ., 2020 02;27:482-496). This amino acid position is highly conserved in available vertebrate species. In addition, the in silico prediction for this alteration is inconclusive. Since supporting evidence is limited at this time, the clinical significance of this alteration remains unclear.

Quest Diagnostics Nichols Institute San Juan Capistrano
Classification: Uncertain significance. Last evaluated: 2024-07-03. Review status: criteria provided, single submitter. Criteria: Quest Diagnostics criteria. Collection method: clinical testing. Allele origin: unknown.
Comment: The CHEK2 c.704A>G (p.Lys235Arg) variant has been reported in the published literature in reportedly healthy individuals (PMID: 37449874 (2023)). In addition, one functional study reported this variant was comparable to wild-type CHEK2 in CHEK2-complementation assays quantifying KAP1 phosphorylation and CHK2 autophosphorylation (PMID: 37449874 (2023)). Other functional studies reported this variant results in decreased acetylation and phosphorylation, did not elicit phosphorylation of p53, and results in increased cell survival in response to oxidative stress (PMID: 30902968 (2019), 31209362 (2020)). Therefore, more experimental evidence is needed to establish the effect of this variant on protein function. The frequency of this variant in the general population, 0.000032 (1/31340 chromosomes (Genome Aggregation Database)), is uninformative in the assessment of its pathogenicity. Analysis of this variant using bioinformatics tools for the prediction of the effect of amino acid changes on protein structure and function yielded predictions that this variant is benign. Based on the available information, we are unable to determine the clinical significance of this variant.

Color Diagnostics, LLC DBA Color Health
Classification: Uncertain significance for Hereditary cancer-predisposing syndrome. Last evaluated: 2019-02-07. Review status: criteria provided, single submitter. Criteria: ACMG Guidelines, 2015. Collection method: clinical testing. Allele origin: germline.

GeneDx
Classification: Uncertain significance. Last evaluated: 2015-10-20. Review status: criteria provided, single submitter. Criteria: GeneDx Variant Classification (06012015). Collection method: clinical testing. Allele origin: germline. Affected: yes.
Comment: This variant is denoted CHEK2 c.704A>G at the cDNA level, p.Lys235Arg (K235R) at the protein level, and results in the change of a Lysine to an Arginine (AAG>AGG). This variant has not, to our knowledge, been published in the literature as pathogenic or benign. CHEK2 Lys235Arg was not observed in approximately 6,500 individuals of European and African American ancestry in the NHLBI Exome Sequencing Project, indicating it is not a common benign variant in these populations. Since Lysine and Arginine share similar properties, this is considered a conservative amino acid substitution. CHEK2 Lys235Arg occurs at a position that is conserved in mammals and is located in the protein kinase domain (UniProt). In silico analyses are inconsistent regarding the effect this variant may have on protein structure and function. Based on currently available evidence, it is unclear whether CHEK2 Lys235Arg is a pathogenic or benign variant. We consider it to be a variant of uncertain significance.

Literature cited by the submitters: PubMed 31209362 (cited by 3 submitters); PubMed 30902968 (cited by Ambry Genetics and Quest Diagnostics Nichols Institute San Juan Capistrano); PubMed 37449874 (cited by Quest Diagnostics Nichols Institute San Juan Capistrano).

NM_007194.4(CHEK2):c.704A>G (p.Lys235Arg)

Gene: CHEK2 (checkpoint kinase 2; minus strand). Cytogenetic location: 22q12.1.
Variant type: single nucleotide variant.
Coding change: c.704A>G on transcript NM_007194.4 (MANE Select); coding-DNA position 704, A replaced by G.
Protein change: p.Lys235Arg; replaces lysine 235 with arginine.
Molecular consequence: missense variant.
Genome position (GRCh38, 1-based): chr22:28,711,997, T>C on the plus strand (A>G on the coding strand, the complement: CHEK2 is on the minus strand). VCF-style: chr22-28711997-T-C. GRCh37 (hg19) VCF-style: chr22-29107985-T-C.
Other names: c.833A>G, p.Lys278Arg (NM_001005735.3); c.41A>G, p.Lys14Arg (NM_001257387.3); c.503A>G, p.Lys168Arg (NM_001349956.3); c.704A>G, p.Lys235Arg (NM_145862.3); short protein forms K235R, K14R, K278R, K168R.
Identifiers: ClinVar variation 142380 (VCV000142380.22), dbSNP rs587782419, ClinGen allele CA168200.